The following is an entry in ClinVar:

ClinVar aggregate classification (germline): Uncertain significance (1 of 4 stars; one submission).

Submission:

Labcorp Genetics (formerly Invitae), Labcorp
Classification: Uncertain significance. Last evaluated: 2025-04-28. Review status: criteria provided, single submitter. Criteria: Invitae Variant Classification Sherloc (09022015). Collection method: clinical testing. Allele origin: germline.
Comment: This sequence change replaces alanine, which is neutral and non-polar, with threonine, which is neutral and polar, at codon 232 of the UNC119 protein (p.Ala232Thr). This variant is not present in population databases (gnomAD no frequency). This variant has not been reported in the literature in individuals affected with UNC119-related conditions. ClinVar contains an entry for this variant (Variation ID: 1948544). An algorithm developed to predict the effect of missense changes on protein structure and function (PolyPhen-2) suggests that this variant is likely to be disruptive. In summary, the available evidence is currently insufficient to determine the role of this variant in disease. Therefore, it has been classified as a Variant of Uncertain Significance.

NM_005148.4(UNC119):c.694G>A (p.Ala232Thr)

Gene: UNC119 (unc-119 lipid binding chaperone; minus strand). Cytogenetic location: 17q11.2.
Variant type: single nucleotide variant.
Coding change: c.694G>A on transcript NM_005148.4 (MANE Select); coding-DNA position 694, G replaced by A.
Protein change: p.Ala232Thr; replaces alanine 232 with threonine.
Molecular consequence: missense variant. On other transcripts: 3 prime UTR variant (1).
Genome position (GRCh38, 1-based): chr17:28,547,326, C>T on the plus strand (G>A on the coding strand, the complement: UNC119 is on the minus strand). VCF-style: chr17-28547326-C-T. GRCh37 (hg19) VCF-style: chr17-26874344-C-T.
Other names: c.409G>A, p.Ala137Thr (NM_001330166.2); c.*298G>A (NM_054035.2); short protein forms A232T, A137T.
Identifiers: ClinVar variation 1948544 (VCV001948544.5), dbSNP rs2508461980, ClinGen allele CA398328252.